The following is an entry in ClinVar:

ClinVar aggregate classification (germline): Uncertain significance. Review status: criteria provided, multiple submitters, no conflicts (2 of 4 stars). 2 submissions from 2 submitters: Uncertain significance (2). Last evaluated 2024-08-19.

Conditions:
Hereditary cancer-predisposing syndrome. Also called: Hereditary neoplastic syndrome; Neoplastic Syndromes, Hereditary; Tumor predisposition; Hereditary Cancer Syndrome. Identifiers: Orphanet 140162, MedGen C0027672, MeSH D009386, MONDO:0015356.
Ataxia-telangiectasia syndrome (AT). Also called: ATAXIA-TELANGIECTASIA, COMPLEMENTATION GROUP A; ATAXIA-TELANGIECTASIA, FRESNO VARIANT; Ataxia-telangiectasia, complementation group D; AT, COMPLEMENTATION GROUP C; Cerebello-oculocutaneous telangiectasia; Immunodeficiency with ataxia telangiectasia. Identifiers: Orphanet 100, MedGen C0004135, MONDO:0008840, OMIM 208900.

Submissions (2):

Ambry Genetics
Classification: Uncertain significance for Hereditary cancer-predisposing syndrome. Last evaluated: 2024-08-19. Review status: criteria provided, single submitter. Criteria: Ambry Variant Classification Scheme 2023. Collection method: clinical testing. Allele origin: germline.
Comment: The p.V997L variant (also known as c.2989G>C), located in coding exon 19 of the ATM gene, results from a G to C substitution at nucleotide position 2989. The valine at codon 997 is replaced by leucine, an amino acid with highly similar properties. This amino acid position is conserved. In addition, this alteration is predicted to be tolerated by in silico analysis. Based on the available evidence, the clinical significance of this variant remains unclear.

Labcorp Genetics (formerly Invitae), Labcorp
Classification: Uncertain significance for Ataxia-telangiectasia syndrome. Last evaluated: 2020-02-11. Review status: criteria provided, single submitter. Criteria: Invitae Variant Classification Sherloc (09022015). Collection method: clinical testing. Allele origin: germline.
Comment: This sequence change replaces valine with leucine at codon 997 of the ATM protein (p.Val997Leu). The valine residue is weakly conserved and there is a small physicochemical difference between valine and leucine. This variant is not present in population databases (ExAC no frequency). This variant has not been reported in the literature in individuals with ATM-related conditions. Algorithms developed to predict the effect of missense changes on protein structure and function (SIFT, PolyPhen-2, Align-GVGD) all suggest that this variant is likely to be tolerated, but these predictions have not been confirmed by published functional studies and their clinical significance is uncertain. In summary, the available evidence is currently insufficient to determine the role of this variant in disease. Therefore, it has been classified as a Variant of Uncertain Significance.

NM_000051.4(ATM):c.2989G>C (p.Val997Leu)

Gene: ATM (ATM serine/threonine kinase; plus strand). Cytogenetic location: 11q22.3.
Variant type: single nucleotide variant.
Coding change: c.2989G>C on transcript NM_000051.4 (MANE Select); coding-DNA position 2989, G replaced by C.
Protein change: p.Val997Leu; replaces valine 997 with leucine.
Molecular consequence: missense variant.
Genome position (GRCh38, 1-based): chr11:108,271,318, G>C. VCF-style: chr11-108271318-G-C. GRCh37 (hg19) VCF-style: chr11-108142045-G-C.
Other names: c.2989G>C (NM_000051.3); c.2989G>C, p.Val997Leu (NM_001351834.2); short protein forms V997L.
Identifiers: ClinVar variation 1045945 (VCV001045945.10), dbSNP rs1487902875, ClinGen allele CA382547348.